The following is an entry in ClinVar:

ClinVar aggregate classification (germline): Uncertain significance. Review status: criteria provided, multiple submitters, no conflicts (2 of 4 stars). 2 submissions from 2 submitters: Uncertain significance (2). Last evaluated 2026-04-16.

Conditions:
Ataxia-telangiectasia syndrome (AT). Also called: LOUIS-BAR SYNDROME; Cerebello-oculocutaneous telangiectasia; Immunodeficiency with ataxia telangiectasia; Ataxia telangiectasia (A-T); Ataxia-telangiectasia, complementation group D; AT, COMPLEMENTATION GROUP C. Identifiers: Orphanet 100, MedGen C0004135, MONDO:0008840, OMIM 208900.
Hereditary cancer-predisposing syndrome. Also called: Tumor predisposition; Neoplastic Syndromes, Hereditary; Hereditary Cancer Syndrome; Hereditary neoplastic syndrome. Identifiers: Orphanet 140162, MedGen C0027672, MeSH D009386, MONDO:0015356.

Allele frequency attached by ClinVar (database versions not stated): TOPMed below 0.00001.

Submissions (2):

Ambry Genetics
Classification: Uncertain significance for Hereditary cancer-predisposing syndrome. Last evaluated: 2026-04-16. Review status: criteria provided, single submitter. Criteria: Ambry Variant Classification Scheme 2023. Collection method: clinical testing. Allele origin: germline.
Comment: The p.E2880V variant (also known as c.8639A>T), located in coding exon 58 of the ATM gene, results from an A to T substitution at nucleotide position 8639. The glutamic acid at codon 2880 is replaced by valine, an amino acid with dissimilar properties. In an assay testing ATM function, this variant showed a functionally normal result (Lee KS et al. Cell, 2025 Sep;188:5081-5099.e27). This amino acid position is highly conserved in available vertebrate species. In addition, this alteration is predicted to be deleterious by in silico analysis. Based on the available evidence, the clinical significance of this variant remains unclear.

Labcorp Genetics (formerly Invitae), Labcorp
Classification: Uncertain significance for Ataxia-telangiectasia syndrome. Last evaluated: 2023-02-03. Review status: criteria provided, single submitter. Criteria: Invitae Variant Classification Sherloc (09022015). Collection method: clinical testing. Allele origin: germline.
Comment: In summary, the available evidence is currently insufficient to determine the role of this variant in disease. Therefore, it has been classified as a Variant of Uncertain Significance. Algorithms developed to predict the effect of missense changes on protein structure and function are either unavailable or do not agree on the potential impact of this missense change (SIFT: "Tolerated"; PolyPhen-2: "Probably Damaging"; Align-GVGD: "Class C0"). This variant has not been reported in the literature in individuals affected with ATM-related conditions. This variant is present in population databases (no rsID available, gnomAD 0.0009%). This sequence change replaces glutamic acid, which is acidic and polar, with valine, which is neutral and non-polar, at codon 2880 of the ATM protein (p.Glu2880Val).

Literature cited by the submitters: PubMed 40580951 (cited by Ambry Genetics).

NM_000051.4(ATM):c.8639A>T (p.Glu2880Val)

Genes: ATM (ATM serine/threonine kinase; plus strand), C11orf65 (chromosome 11 open reading frame 65; minus strand). Cytogenetic location: 11q22.3.
Variant type: single nucleotide variant.
Coding change: c.8639A>T on transcript NM_000051.4 (MANE Select); coding-DNA position 8639, A replaced by T.
Protein change: p.Glu2880Val; replaces glutamic acid 2880 with valine.
Molecular consequence: missense variant. On other transcripts: intron variant (2).
Genome position (GRCh38, 1-based): chr11:108,347,333, A>T. VCF-style: chr11-108347333-A-T. GRCh37 (hg19) VCF-style: chr11-108218060-A-T.
Other names: c.8639A>T, p.Glu2880Val (NM_001351834.2); c.641-38262T>A (NM_001330368.2); c.695-12041T>A (NM_001351110.2); short protein forms E2880V.
Identifiers: ClinVar variation 2833384 (VCV002833384.4), dbSNP rs999543786, ClinGen allele CA228368306.